The following is an entry in ClinVar:

ClinVar aggregate classification (germline): Benign/Likely benign. Review status: criteria provided, multiple submitters, no conflicts (2 of 4 stars). 4 submissions from 4 submitters: Benign (1); Likely benign (3). Last evaluated 2025-12-22.

Conditions:
Intellectual disability. Also called: Intellectual functioning disability; Intellectual developmental disorder; intellectual disabilities. Identifiers: MedGen C3714756, MeSH D008607, MONDO:0001071, HP:0001249.
MBTPS2-related disorder. Also called: MBTPS2-related condition.

Allele frequency attached by ClinVar (database versions not stated): ExAC 0.00018; ESP Exome Variant Server 0.00019; TOPMed 0.00020; 1000 Genomes Project 30x 0.00021; gnomAD 0.00021; gnomAD exomes 0.00023 and 0.00039.
gnomAD v4.1: 438 of 1,206,166 alleles (0.036%); highest among the groups gnomAD compares: Non-Finnish European, 0.048%; no homozygotes.

Submissions (4):

Labcorp Genetics (formerly Invitae), Labcorp
Classification: Benign. Last evaluated: 2025-12-22. Review status: criteria provided, single submitter. Criteria: Invitae Variant Classification Sherloc (09022015). Collection method: clinical testing. Allele origin: germline.

PreventionGenetics, part of Exact Sciences
Classification: Likely benign for MBTPS2-related condition. Last evaluated: 2025-03-05. Review status: criteria provided, single submitter. Criteria: ACMG Guidelines, 2015. Collection method: clinical testing. Allele origin: germline.
Comment: This variant is classified as likely benign based on ACMG/AMP sequence variant interpretation guidelines (Richards et al. 2015 PMID: 25741868, with internal and published modifications).

CeGaT Center for Human Genetics Tuebingen
Classification: Likely benign. Last evaluated: 2023-02-01. Review status: criteria provided, single submitter. Criteria: CeGaT Center For Human Genetics Tuebingen Variant Classification Criteria Version 2. Collection method: clinical testing. Allele origin: germline. Affected: yes. Observed: 1 variant allele.
Comment: MBTPS2: BS2

Cambridge Genomics Laboratory, East Genomic Laboratory Hub, NHS Genomic Medicine Service
Classification: Likely benign for Intellectual disability. Last evaluated: 2020-01-29. Review status: criteria provided, single submitter. Criteria: ACGS Best Practice Guidelines for Variant Classification in Rare Disease 2020. Collection method: clinical testing. Allele origin: germline. Affected: yes. Observed: 1 variant allele.

NM_015884.4(MBTPS2):c.485C>T (p.Thr162Met)

Gene: MBTPS2 (membrane bound transcription factor peptidase, site 2; plus strand). Cytogenetic location: Xp22.12.
Variant type: single nucleotide variant.
Coding change: c.485C>T on transcript NM_015884.4 (MANE Select); coding-DNA position 485, C replaced by T.
Protein change: p.Thr162Met; replaces threonine 162 with methionine.
Molecular consequence: missense variant.
Genome position (GRCh38, 1-based): chrX:21,851,555, C>T. VCF-style: chrX-21851555-C-T. GRCh37 (hg19) VCF-style: chrX-21869673-C-T.
Other names: short protein forms T162M.
Identifiers: ClinVar variation 758562 (VCV000758562.34), dbSNP rs142666676, ClinGen allele CA10367372.
Genomic context (GRCh38, chrX:21,851,555, plus strand): 5'-GTGTCTATGAACAGGTTCCTGGTATAAATTTACCCGTCAATCAACTGACCTATTTCTTCA[C>T]GGCAGTTCTCATTAGTGGTGTTGTACATGAAATTGGACATGGGATAGCAGCTATTAGGTA-3'
Protein context (NP_056968.1, residues 152-172): LPVNQLTYFF[Thr162Met]AVLISGVVHE